The following is an entry in ClinVar:

NM_007294.4(BRCA1):c.5332+18C>T

Gene: BRCA1 (BRCA1 DNA repair associated; minus strand). Cytogenetic location: 17q21.31.
Variant type: single nucleotide variant.
Coding change: c.5332+18C>T on transcript NM_007294.4 (MANE Select); 18 bases into the intron after coding-DNA position 5332, C replaced by T.
Molecular consequence: intron variant.
Genome position (GRCh38, 1-based): chr17:43,051,045, G>A on the plus strand (C>T on the coding strand, the complement: BRCA1 is on the minus strand). VCF-style: chr17-43051045-G-A. GRCh37 (hg19) VCF-style: chr17-41203062-G-A.
Other names: c.1879+18C>T (NM_001408458.1, NM_001408461.1, NM_001408464.1 and 7 more transcripts); c.4441+18C>T (NM_001407967.1); c.4951+18C>T (NM_001407959.1); c.5065+18C>T (NM_001407931.1, NM_001407932.1, NM_001407928.1 and 4 more transcripts); c.5188+18C>T (NM_001407747.1, NM_001407745.1, NM_001407737.1 and 21 more transcripts); c.4948+18C>T (NM_001407962.1, NM_001407960.1); c.1519+18C>T (NM_001408512.1); c.1642+18C>T (NM_001408510.1); and 74 more.
Identifiers: ClinVar variation 865614 (VCV000865614.11), dbSNP rs1567760469, ClinGen allele CA916080972.

ClinVar aggregate classification (germline): Likely benign (1 of 4 stars; one submission).

Conditions:
Hereditary breast ovarian cancer syndrome. Also called: Hereditary breast and/or ovarian cancer syndrome; BRCA1- and BRCA2-Associated Hereditary Breast and Ovarian Cancer; Hereditary breast and ovarian cancer syndrome; Hereditary breast and ovarian cancer; Hereditary breast and ovarian cancer syndrome (HBOC); Breast and ovarian cancer. Identifiers: Orphanet 145, MedGen C0677776, MeSH D061325, MONDO:0003582. Disease mechanism: loss of function.

Submissions (2):

Labcorp Genetics (formerly Invitae), Labcorp
Classification: Likely benign for Hereditary breast ovarian cancer syndrome. Last evaluated: 2021-08-27. Review status: criteria provided, single submitter. Criteria: Invitae Variant Classification Sherloc (09022015). Collection method: clinical testing. Allele origin: germline.

Brotman Baty Institute, University of Washington
No classification provided (evidence only). Condition: Breast-ovarian cancer, familial 1. Review status: no classification provided. Collection method: in vitro. Allele origin: not applicable. Functional consequence: functionally_normal. Not counted in ClinVar's aggregate classification.
ClinVar note: "not provided" was previously submitted as the classification for the variant. However, the classification appeared to be based only on an observation of functional data so it was converted to no classification on 2025-07-30.